The following is an entry in ClinVar:

ClinVar aggregate classification (germline): Pathogenic/Likely pathogenic. Review status: criteria provided, multiple submitters, no conflicts (2 of 4 stars). 7 submissions from 7 submitters: Pathogenic (2); Likely pathogenic (3). 2 of the submissions do not count toward it. Last evaluated 2026-01-26.

Conditions:
Intellectual developmental disorder with dysmorphic facies and behavioral abnormalities. Identifiers: MedGen C4748135, MONDO:0060760, OMIM 618089.
Neurodevelopmental disorder. Identifiers: MedGen C1535926, MeSH D065886, MONDO:0700092.

Submissions (7):

Medical and Scientific Branch, Hong Kong Genome Institute
Classification: Likely pathogenic for Intellectual developmental disorder with dysmorphic facies and behavioral abnormalities. Last evaluated: 2026-01-26. Review status: criteria provided, single submitter. Criteria: ACMG Guidelines, 2015. Collection method: clinical testing. Allele origin: de novo. Affected: yes.

GeneDx
Classification: Pathogenic. Last evaluated: 2023-06-15. Review status: criteria provided, single submitter. Criteria: GeneDx Variant Classification Process June 2021. Collection method: clinical testing. Allele origin: germline. Affected: yes.
Comment: Not observed at significant frequency in large population cohorts (gnomAD); In silico analysis supports that this missense variant has a deleterious effect on protein structure/function; In vitro studies demonstrate this variant tends to form aggregates in the cytoplasm, though the biological significance of these are unknown (Gregor et al., 2022); This variant is associated with the following publications: (PMID: 30057029, 31785789, 34505148, 28135719)

Institute of Human Genetics, Clinical Exome/Genome Diagnostics Group, University Hospital Bonn
Classification: Likely pathogenic for Intellectual developmental disorder with dysmorphic facies and behavioral abnormalities. Last evaluated: 2022-10-10. Review status: criteria provided, single submitter. Criteria: ACMG Guidelines, 2015. Collection method: clinical testing. Allele origin: germline. Affected: yes.

Greenwood Genetic Center Diagnostic Laboratories, Greenwood Genetic Center
Classification: Likely pathogenic for Intellectual developmental disorder with dysmorphic facies and behavioral abnormalities. Last evaluated: 2021-08-23. Review status: criteria provided, single submitter. Criteria: ACMG Guidelines, 2015. Collection method: clinical testing. Allele origin: germline. Affected: yes.
Comment: PS2, PM2, PS4_Moderate, PP2

Institute of Human Genetics Munich, TUM University Hospital
Classification: Pathogenic for Intellectual developmental disorder with dysmorphic facies and behavioral abnormalities. Last evaluated: 2020-06-09. Review status: criteria provided, single submitter. Criteria: Classification criteria August 2017. Collection method: clinical testing. Allele origin: de novo. Inheritance: Autosomal dominant inheritance. Affected: yes. Observed: 1 heterozygote.

Zotz-Klimas Genetics Lab, MVZ Zotz Klimas
Classification: Pathogenic for Intellectual developmental disorder with dysmorphic facies and behavioral abnormalities. Last evaluated: 2023-10-30. Review status: no assertion criteria provided. Collection method: clinical testing. Allele origin: germline. Affected: yes. Not counted in ClinVar's aggregate classification.

University of Washington Center for Mendelian Genomics, University of Washington
Classification: Likely pathogenic for Neurodevelopmental Disorder. Review status: no assertion criteria provided. Collection method: research. Allele origin: de novo. Affected: yes. Not counted in ClinVar's aggregate classification.

Literature cited by the submitters: PubMed 30057029 (cited by University of Washington Center for Mendelian Genomics, University of Washington).

NM_001190274.2(FBXO11):c.2729A>G (p.Asp910Gly)

Genes: FBXO11 (F-box protein 11; minus strand), MSH6 (mutS homolog 6; plus strand). Cytogenetic location: 2p16.3.
Variant type: single nucleotide variant.
Coding change: c.2729A>G on transcript NM_001190274.2 (MANE Select); coding-DNA position 2729, A replaced by G.
Protein change: p.Asp910Gly; replaces aspartic acid 910 with glycine.
Molecular consequence: missense variant.
Genome position (GRCh38, 1-based): chr2:47,808,173, T>C on the plus strand (A>G on the coding strand, the complement: FBXO11 is on the minus strand). VCF-style: chr2-47808173-T-C. GRCh37 (hg19) VCF-style: chr2-48035312-T-C.
Other names: c.2477A>G, p.Asp826Gly (NM_001374325.1, NM_025133.4); short protein forms D826G, D910G.
Identifiers: ClinVar variation 976770 (VCV000976770.12), dbSNP rs1670355281, ClinGen allele CA346761911.